The following is an entry in ClinVar:

NM_014804.3(KIAA0753):c.93+1G>A

Gene: KIAA0753 (KIAA0753; minus strand). Cytogenetic location: 17p13.1.
Variant type: single nucleotide variant.
Coding change: c.93+1G>A on transcript NM_014804.3 (MANE Select); the canonical splice donor site of the intron after coding-DNA position 93, G replaced by A.
Molecular consequence: splice donor variant.
Genome position (GRCh38, 1-based): chr17:6,635,010, C>T on the plus strand (G>A on the coding strand, the complement: KIAA0753 is on the minus strand). VCF-style: chr17-6635010-C-T. GRCh37 (hg19) VCF-style: chr17-6538330-C-T.
Other names: c.-1142+1G>A (NM_001351225.2).
Identifiers: ClinVar variation 4696515 (VCV004696515.1).

ClinVar aggregate classification (germline): Likely pathogenic (1 of 4 stars; one submission).

Submission:

Labcorp Genetics (formerly Invitae), Labcorp
Classification: Likely pathogenic. Last evaluated: 2025-10-14. Review status: criteria provided, single submitter. Criteria: Invitae Variant Classification Sherloc (09022015). Collection method: clinical testing. Allele origin: germline.
Comment: This sequence change affects a donor splice site in intron 2 of the KIAA0753 gene. It is expected to disrupt RNA splicing. Variants that disrupt the donor or acceptor splice site typically lead to a loss of protein function (PMID: 16199547), and loss-of-function variants in KIAA0753 are known to be pathogenic (PMID: 29138412). This variant is not present in population databases (gnomAD no frequency). This variant has not been reported in the literature in individuals affected with KIAA0753-related conditions. Algorithms developed to predict the effect of sequence changes on RNA splicing suggest that this variant may disrupt the consensus splice site. In summary, the currently available evidence indicates that the variant is pathogenic, but additional data are needed to prove that conclusively. Therefore, this variant has been classified as Likely Pathogenic.

Literature cited by the submitters: PubMed 16199547; PubMed 29138412.